The following is an entry in ClinVar:

ClinVar aggregate classification (germline): Uncertain significance (1 of 4 stars; one submission).

Conditions:
Cerebral cavernous malformation (CCM). Also called: Cavernous Hemangioma of Brain; Cerebral cavernous hemangioma (type); CAVERNOUS ANGIOMA, FAMILIAL; CAVERNOUS ANGIOMATOUS MALFORMATIONS; CEREBRAL CAPILLARY MALFORMATIONS; Cerebral cavernous malformations. Identifiers: Orphanet 221061, MedGen C2919945, MONDO:0000820, OMIM 116860, HP:0033522.

gnomAD v4.1: 2 of 1,605,498 alleles (0.00012%); highest among the groups gnomAD compares: Non-Finnish European, 0.000085%; no homozygotes.

Submission:

Labcorp Genetics (formerly Invitae), Labcorp
Classification: Uncertain significance for Cerebral cavernous malformation. Last evaluated: 2024-07-20. Review status: criteria provided, single submitter. Criteria: Invitae Variant Classification Sherloc (09022015). Collection method: clinical testing. Allele origin: germline.
Comment: This sequence change replaces isoleucine, which is neutral and non-polar, with threonine, which is neutral and polar, at codon 15 of the KRIT1 protein (p.Ile15Thr). This variant is not present in population databases (gnomAD no frequency). This variant has not been reported in the literature in individuals affected with KRIT1-related conditions. Advanced modeling of protein sequence and biophysical properties (such as structural, functional, and spatial information, amino acid conservation, physicochemical variation, residue mobility, and thermodynamic stability) performed at Invitae indicates that this missense variant is not expected to disrupt KRIT1 protein function with a negative predictive value of 80%. In summary, the available evidence is currently insufficient to determine the role of this variant in disease. Therefore, it has been classified as a Variant of Uncertain Significance.

NM_194454.3(KRIT1):c.44T>C (p.Ile15Thr)

Gene: KRIT1 (KRIT1 ankyrin repeat containing; minus strand). Cytogenetic location: 7q21.2.
Variant type: single nucleotide variant.
Coding change: c.44T>C on transcript NM_194454.3 (MANE Select); coding-DNA position 44, T replaced by C.
Protein change: p.Ile15Thr; replaces isoleucine 15 with threonine.
Molecular consequence: missense variant. On other transcripts: 5 prime UTR variant (1).
Genome position (GRCh38, 1-based): chr7:92,242,092, A>G on the plus strand (T>C on the coding strand, the complement: KRIT1 is on the minus strand). VCF-style: chr7-92242092-A-G. GRCh37 (hg19) VCF-style: chr7-91871406-A-G.
Other names: c.44T>C, p.Ile15Thr (NM_001013406.2, NM_001350669.1, NM_001350670.1 and 29 more transcripts); c.-540T>C (NM_001350671.1); short protein forms I15T.
Identifiers: ClinVar variation 3645256 (VCV003645256.2).